The following is an entry in ClinVar:

NM_152263.4(TPM3):c.728C>T (p.Ala243Val)

Gene: TPM3 (tropomyosin 3; minus strand). Cytogenetic location: 1q21.3.
Variant type: single nucleotide variant.
Coding change: c.728C>T on transcript NM_152263.4 (MANE Select); coding-DNA position 728, C replaced by T.
Protein change: p.Ala243Val; replaces alanine 243 with valine.
Molecular consequence: missense variant. On other transcripts: non-coding transcript variant (1).
Genome position (GRCh38, 1-based): chr1:154,170,447, G>A on the plus strand (C>T on the coding strand, the complement: TPM3 is on the minus strand). VCF-style: chr1-154170447-G-A. GRCh37 (hg19) VCF-style: chr1-154142923-G-A.
Other names: c.617C>T, p.Ala206Val (NM_001043351.2, NM_001043352.2, NM_001043353.2 and 4 more transcripts); c.419C>T, p.Ala140Val (NM_001278188.2); c.554C>T, p.Ala185Val (NM_001278190.2); c.347C>T, p.Ala116Val (NM_001278191.2); c.728C>T, p.Ala243Val (NM_001364679.2, NM_001364680.2, NM_001364681.2 and 1 more transcripts); short protein forms A116V, A140V, A185V, A206V, A243V.
Identifiers: ClinVar variation 1313924 (VCV001313924.2), dbSNP rs2148231268, ClinGen allele CA342582916.

ClinVar aggregate classification (germline): Uncertain significance (1 of 4 stars; one submission).

gnomAD v4.1: 6 of 1,614,130 alleles (0.00037%); highest among the groups gnomAD compares: Non-Finnish European, 0.00051%; no homozygotes.

Submission:

GeneDx
Classification: Uncertain significance. Last evaluated: 2021-01-05. Review status: criteria provided, single submitter. Criteria: GeneDx Variant Classification Process June 2021. Collection method: clinical testing. Allele origin: germline. Affected: yes.
Comment: Not observed in large population cohorts (Lek et al., 2016); Missense variants in this gene are often considered pathogenic (Stenson et al., 2014); In silico analysis supports that this missense variant has a deleterious effect on protein structure/function; Has not been previously published as pathogenic or benign to our knowledge